The following is an entry in ClinVar:

NM_001387274.1(DCDC1):c.2894C>T (p.Thr965Met)

Gene: DCDC1 (doublecortin domain containing 1; minus strand). Cytogenetic location: 11p14.1.
Variant type: single nucleotide variant.
Coding change: c.2894C>T on transcript NM_001387274.1 (MANE Select); coding-DNA position 2894, C replaced by T.
Protein change: p.Thr965Met; replaces threonine 965 with methionine.
Molecular consequence: missense variant. On other transcripts: 5 prime UTR variant (1).
Genome position (GRCh38, 1-based): chr11:30,931,774, G>A on the plus strand (C>T on the coding strand, the complement: DCDC1 is on the minus strand). VCF-style: chr11-30931774-G-A. GRCh37 (hg19) VCF-style: chr11-30953321-G-A.
Other names: c.2894C>T, p.Thr965Met (NM_001367979.1); c.-408C>T (NM_001387275.1); c.215C>T, p.Thr72Met (NM_020869.4); short protein forms T72M, T965M.
Identifiers: ClinVar variation 3356260 (VCV003356260.1).

ClinVar aggregate classification (germline): Likely benign (0 of 4 stars; one submission).

Conditions:
DCDC5-related condition.

gnomAD v4.1: 337 of 1,608,178 alleles (0.021%); highest among the groups gnomAD compares: African/African-American, 0.33%; no homozygotes.

Submission:

PreventionGenetics, part of Exact Sciences
Classification: Likely benign for DCDC5-related condition. Last evaluated: 2023-03-30. Review status: no assertion criteria provided. Collection method: clinical testing. Allele origin: germline.
Comment: This variant is classified as likely benign based on ACMG/AMP sequence variant interpretation guidelines (Richards et al. 2015 PMID: 25741868, with internal and published modifications).